The following is an entry in ClinVar:

NM_001130009.3(GEN1):c.1125G>C (p.Leu375Phe)

Gene: GEN1 (GEN1 Holliday junction 5' flap endonuclease; plus strand). Cytogenetic location: 2p24.2.
Variant type: single nucleotide variant.
Coding change: c.1125G>C on transcript NM_001130009.3 (MANE Select); coding-DNA position 1125, G replaced by C.
Protein change: p.Leu375Phe; replaces leucine 375 with phenylalanine.
Molecular consequence: missense variant.
Genome position (GRCh38, 1-based): chr2:17,774,324, G>C. VCF-style: chr2-17774324-G-C. GRCh37 (hg19) VCF-style: chr2-17955591-G-C.
Other names: c.1125G>C, p.Leu375Phe (NM_182625.5); short protein forms L375F.
Identifiers: ClinVar variation 3853442 (VCV003853442.1).
Genomic context (GRCh38, chr2:17,774,324, plus strand): 5'-TTTATAGAGATTTACTCTTGAAAAAATGGAGTGGCCCAATCACTATGCATGTGAGAAATT[G>C]CTGGTACTTTTGACCCATTATGACATGATAGAAAGAAAGCTTGGTAGCAGAAACTCTAAT-3'
Protein context (NP_001123481.3, residues 365-385): EWPNHYACEK[Leu375Phe]LVLLTHYDMI

ClinVar aggregate classification (germline): Uncertain significance (1 of 4 stars; one submission).

gnomAD v4.1: 1 of 1,601,450 alleles (0.000062%); highest among the groups gnomAD compares: Non-Finnish European, 0.000085%; no homozygotes.

Submission:

Ambry Genetics
Classification: Uncertain significance. Last evaluated: 2024-12-20. Review status: criteria provided, single submitter. Criteria: Ambry Variant Classification Scheme 2023. Collection method: clinical testing. Allele origin: germline.
Comment: The p.L375F variant (also known as c.1125G>C), located in coding exon 10 of the GEN1 gene, results from a G to C substitution at nucleotide position 1125. The leucine at codon 375 is replaced by phenylalanine, an amino acid with highly similar properties. This amino acid position is conserved. In addition, this alteration is predicted to be tolerated by in silico analysis. Based on the available evidence, the clinical significance of this variant remains unclear.